The following is an entry in ClinVar:

ClinVar aggregate classification (germline): Uncertain significance. Review status: criteria provided, multiple submitters, no conflicts (2 of 4 stars). 2 submissions from 2 submitters: Uncertain significance (2). Last evaluated 2026-04-23.

Conditions:
Osteogenesis imperfecta type I (OI1). Also called: Lobstein's Disease; OI, TYPE I; OSTEOGENESIS IMPERFECTA TARDA; OSTEOGENESIS IMPERFECTA WITH BLUE SCLERAE; Osteogenesis imperfecta type 1; Lobstein disease. Identifiers: Orphanet 216796, Orphanet 666, MedGen C0023931, MONDO:0008146, OMIM 166200. Disease mechanism: loss of function.
Ehlers-Danlos syndrome, classic type, 1 (EDSCL1). Also called: Ehlers-Danlos syndrome, type 1; EHLERS-DANLOS SYNDROME, GRAVIS TYPE; EHLERS-DANLOS SYNDROME, SEVERE CLASSIC TYPE; EDS I; Ehlers-Danlos Syndrome, Classic Type, COL5A1-Related. Identifiers: MedGen C0268335, MONDO:0019567, OMIM 130000.
Cardiovascular phenotype. Identifiers: MedGen CN230736.

Allele frequency attached by ClinVar (database versions not stated): ExAC 0.00003; TOPMed 0.00002; gnomAD exomes 0.00001.

Submissions (2):

Ambry Genetics
Classification: Uncertain significance for Cardiovascular phenotype. Last evaluated: 2026-04-23. Review status: criteria provided, single submitter. Criteria: Ambry Variant Classification Scheme 2023. Collection method: clinical testing. Allele origin: germline.
Comment: The c.1844C>T (p.P615L) alteration is located in exon 31 (coding exon 31) of the COL1A2 gene. This alteration results from a C to T substitution at nucleotide position 1844, causing the proline (P) at amino acid position 615 to be replaced by a leucine (L). Based on data from gnomAD, the T allele has an overall frequency of <0.001% (1/184598) total alleles studied. The highest observed frequency was <0.001% (/) of alleles. Based on insufficient or conflicting evidence, the clinical significance of this alteration remains unclear.

Labcorp Genetics (formerly Invitae), Labcorp
Classification: Uncertain significance for Osteogenesis imperfecta type I; Ehlers-Danlos syndrome, classic type, 1. Last evaluated: 2020-09-24. Review status: criteria provided, single submitter. Criteria: Invitae Variant Classification Sherloc (09022015). Collection method: clinical testing. Allele origin: germline.
Comment: In summary, the available evidence is currently insufficient to determine the role of this variant in disease. Therefore, it has been classified as a Variant of Uncertain Significance. Algorithms developed to predict the effect of missense changes on protein structure and function are either unavailable or do not agree on the potential impact of this missense change (SIFT: "Deleterious"; PolyPhen-2: "Not Available"; Align-GVGD: "Class C65"). This variant has not been reported in the literature in individuals with COL1A2-related conditions. This variant is present in population databases (rs780264582, ExAC 0.007%). This sequence change replaces proline with leucine at codon 615 of the COL1A2 protein (p.Pro615Leu). The proline residue is highly conserved and there is a moderate physicochemical difference between proline and leucine.

NM_000089.4(COL1A2):c.1844C>T (p.Pro615Leu)

Gene: COL1A2 (collagen type I alpha 2 chain; plus strand). Cytogenetic location: 7q21.3.
Variant type: single nucleotide variant.
Coding change: c.1844C>T on transcript NM_000089.4 (MANE Select); coding-DNA position 1844, C replaced by T.
Protein change: p.Pro615Leu; replaces proline 615 with leucine.
Molecular consequence: missense variant.
Genome position (GRCh38, 1-based): chr7:94,416,484, C>T. VCF-style: chr7-94416484-C-T. GRCh37 (hg19) VCF-style: chr7-94045796-C-T.
Other names: short protein forms P615L.
Identifiers: ClinVar variation 946144 (VCV000946144.12), dbSNP rs780264582, ClinGen allele CA4347213.